The following is an entry in ClinVar:

ClinVar aggregate classification (germline): Uncertain significance (1 of 4 stars; one submission).

Submission:

GeneDx
Classification: Uncertain significance. Last evaluated: 2019-12-19. Review status: criteria provided, single submitter. Criteria: GeneDx Variant Classification Process June 2021. Collection method: clinical testing. Allele origin: germline. Affected: yes.
Comment: Has not been previously published as pathogenic or benign to our knowledge; Not observed in large population cohorts (Lek et al., 2016); In silico splice algorithms do not predict an effect on gene splicing; nucleotide is conserved in mammals

NM_002755.4(MAP2K1):c.42C>G (p.Ala14=)

Gene: MAP2K1 (mitogen-activated protein kinase kinase 1; plus strand). Cytogenetic location: 15q22.31.
Variant type: single nucleotide variant.
Coding change: c.42C>G on transcript NM_002755.4 (MANE Select); coding-DNA position 42, C replaced by G.
Protein change: p.Ala14=; no amino-acid change (alanine 14 retained).
Molecular consequence: synonymous variant.
Genome position (GRCh38, 1-based): chr15:66,387,389, C>G. VCF-style: chr15-66387389-C-G. GRCh37 (hg19) VCF-style: chr15-66679727-C-G.
Identifiers: ClinVar variation 1317064 (VCV001317064.2), dbSNP rs2140511693, ClinGen allele CA490851460.